The following is an entry in ClinVar:

NM_020919.4(ALS2):c.1425A>G (p.Thr475=)

Gene: ALS2 (alsin Rho guanine nucleotide exchange factor ALS2; minus strand). Cytogenetic location: 2q33.1.
Variant type: single nucleotide variant.
Coding change: c.1425A>G on transcript NM_020919.4 (MANE Select); coding-DNA position 1425, A replaced by G.
Protein change: p.Thr475=; no amino-acid change (threonine 475 retained).
Molecular consequence: synonymous variant.
Genome position (GRCh38, 1-based): chr2:201,757,448, T>C on the plus strand (A>G on the coding strand, the complement: ALS2 is on the minus strand). VCF-style: chr2-201757448-T-C. GRCh37 (hg19) VCF-style: chr2-202622171-T-C.
Other names: c.1425A>G, p.Thr475= (NM_001410975.1); c.1425A>G (NM_020919.3).
Identifiers: ClinVar variation 4738677 (VCV004738677.2).
Genomic context (GRCh38, chr2:201,757,448, plus strand): 5'-AGTTATTTCCTTACCTTGTGACAACAATCCAGGGAGGGAGAGTCTTCGACTGCCTCCCTC[T>C]GTTTCTTCTTCTCTGATATCCACAAGACTTGAACTTTTCTTTCCTTGCATTGATTCCTGT-3'
Protein context (NP_065970.2, residues 465-485): SSLVDIREEE[Thr475=]EGGSRRLSLP

ClinVar aggregate classification (germline): Likely benign. Review status: criteria provided, multiple submitters, no conflicts (2 of 4 stars). 2 submissions from 2 submitters: Likely benign (2). Last evaluated 2025-10-29.

Conditions:
ALS2-related disorder. Also called: ALS2-Related Spectrum Disorders; ALS2-related condition; ALS2-related disorders. Identifiers: MedGen CN169291.
Infantile-onset ascending hereditary spastic paralysis (IAHSP). Also called: Autosomal Recessive Juvenile Amyotrophic Lateral Sclerosis; Infantile-Onset Ascending Hereditary Spastic Paralysis (IAHSP). Identifiers: Orphanet 293168, MedGen C2931441, MONDO:0011797, OMIM 607225. Disease mechanism: loss of function.

gnomAD v4.1: 16 of 1,614,108 alleles (0.00099%); highest among the groups gnomAD compares: Admixed American, 0.018%; no homozygotes.

Submissions (2):

PreventionGenetics, part of Exact Sciences
Classification: Likely benign for ALS2-related condition. Last evaluated: 2025-10-29. Review status: criteria provided, single submitter. Criteria: ACMG Guidelines, 2015. Collection method: clinical testing. Allele origin: germline.
Comment: This variant is classified as likely benign based on ACMG/AMP sequence variant interpretation guidelines (Richards et al. 2015 PMID: 25741868, with internal and published modifications).

Labcorp Genetics (formerly Invitae), Labcorp
Classification: Likely benign for Infantile-onset ascending hereditary spastic paralysis. Last evaluated: 2025-03-26. Review status: criteria provided, single submitter. Criteria: Invitae Variant Classification Sherloc (09022015). Collection method: clinical testing. Allele origin: germline.